The following is an entry in ClinVar:

ClinVar aggregate classification (germline): Uncertain significance. Review status: criteria provided, multiple submitters, no conflicts (2 of 4 stars). 2 submissions from 2 submitters: Uncertain significance (2). Last evaluated 2025-10-02.

Allele frequency attached by ClinVar (database versions not stated): gnomAD 0.00004 and 0.00005; gnomAD exomes 0.00005; TOPMed 0.00005; ExAC 0.00007.

Submissions (2):

Labcorp Genetics (formerly Invitae), Labcorp
Classification: Uncertain significance. Last evaluated: 2025-10-02. Review status: criteria provided, single submitter. Criteria: Invitae Variant Classification Sherloc (09022015). Collection method: clinical testing. Allele origin: germline.
Comment: This sequence change affects the initiator codon of the TMEM230 mRNA. This change may impact translation initiation or efficiency. The next in-frame methionine is located at codon 64. This variant is present in population databases (rs768390203, gnomAD 0.01%). Disruption of the initiator codon has been observed in individual(s) with Parkinson's disease (PMID: 28090676, 29771939; internal data). ClinVar contains an entry for this variant (Variation ID: 1435559). In summary, the available evidence is currently insufficient to determine the role of this variant in disease. Therefore, it has been classified as a Variant of Uncertain Significance.

Breakthrough Genomics
Classification: Uncertain significance. Review status: criteria provided, single submitter. Criteria: ACMG Guidelines, 2015. Collection method: not provided. Allele origin: germline. Inheritance: Autosomal dominant inheritance. Affected: yes.

Literature cited by the submitters: PubMed 28090676 (cited by Labcorp Genetics (formerly Invitae), Labcorp); PubMed 29771939 (cited by Labcorp Genetics (formerly Invitae), Labcorp).

NM_001009925.2(TMEM230):c.-83A>G

Gene: TMEM230 (transmembrane protein 230; minus strand). Cytogenetic location: 20p12.3.
Variant type: single nucleotide variant.
Coding change: c.-83A>G on transcript NM_001009925.2 (MANE Select); 83 bases upstream of the start codon, A replaced by G.
Molecular consequence: 5 prime UTR variant.
Genome position (GRCh38, 1-based): chr20:5,113,028, T>C on the plus strand (A>G on the coding strand, the complement: TMEM230 is on the minus strand). VCF-style: chr20-5113028-T-C. GRCh37 (hg19) VCF-style: chr20-5093674-T-C.
Other names: c.-407A>G (NM_001009924.2); c.-359A>G (NM_001330984.2); c.-324A>G (NM_001330985.2); c.-301A>G (NM_001330986.2); c.-83A>G (NM_001330987.2); c.-189A>G (NM_001423980.1); c.-314A>G (NM_014145.5).
Identifiers: ClinVar variation 1435559 (VCV001435559.7), dbSNP rs768390203, ClinGen allele CA9753508.